The following is an entry in ClinVar:

ClinVar aggregate classification (germline): Uncertain significance. Review status: criteria provided, multiple submitters, no conflicts (2 of 4 stars). 3 submissions from 3 submitters: Uncertain significance (3). Last evaluated 2024-11-26.

Conditions:
Long QT syndrome (LQTS). Identifiers: MedGen C0023976, MeSH D008133, MONDO:0002442. Disease mechanism: loss of function. Inheritance: Various modes of inheritance.
Cardiovascular phenotype. Identifiers: MedGen CN230736.

Allele frequency attached by ClinVar (database versions not stated): gnomAD 0.00001; gnomAD exomes 0.00001; TOPMed 0.00002; ESP Exome Variant Server 0.00008.
gnomAD v4.1: 24 of 1,613,828 alleles (0.0015%); highest among the groups gnomAD compares: Non-Finnish European, 0.0019%; no homozygotes.

Submissions (3):

Labcorp Genetics (formerly Invitae), Labcorp
Classification: Uncertain significance for Long QT syndrome. Last evaluated: 2024-11-26. Review status: criteria provided, single submitter. Criteria: Invitae Variant Classification Sherloc (09022015). Collection method: clinical testing. Allele origin: germline.
Comment: This sequence change replaces glutamine, which is neutral and polar, with arginine, which is basic and polar, at codon 527 of the AKAP9 protein (p.Gln527Arg). This variant is present in population databases (rs140462821, gnomAD 0.003%). This variant has not been reported in the literature in individuals affected with AKAP9-related conditions. ClinVar contains an entry for this variant (Variation ID: 1775683). An algorithm developed to predict the effect of missense changes on protein structure and function (PolyPhen-2) suggests that this variant is likely to be disruptive. In summary, the available evidence is currently insufficient to determine the role of this variant in disease. Therefore, it has been classified as a Variant of Uncertain Significance.

Ambry Genetics
Classification: Uncertain significance for Cardiovascular phenotype. Last evaluated: 2024-09-17. Review status: criteria provided, single submitter. Criteria: Ambry Variant Classification Scheme 2023. Collection method: clinical testing. Allele origin: germline.
Comment: The p.Q527R variant (also known as c.1580A>G), located in coding exon 8 of the AKAP9 gene, results from an A to G substitution at nucleotide position 1580. The glutamine at codon 527 is replaced by arginine, an amino acid with highly similar properties. This amino acid position is well conserved in available vertebrate species. In addition, this alteration is predicted to be tolerated by in silico analysis. Since supporting evidence is limited at this time, the clinical significance of this alteration remains unclear.

Blueprint Genetics
Classification: Uncertain significance. Last evaluated: 2019-12-17. Review status: criteria provided, single submitter. Criteria: ACMG Guidelines, 2015. Collection method: clinical testing. Allele origin: germline.

NM_005751.5(AKAP9):c.1580A>G (p.Gln527Arg)

Gene: AKAP9 (A-kinase anchoring protein 9; plus strand). Cytogenetic location: 7q21.2.
Variant type: single nucleotide variant.
Coding change: c.1580A>G on transcript NM_005751.5 (MANE Select); coding-DNA position 1580, A replaced by G.
Protein change: p.Gln527Arg; replaces glutamine 527 with arginine.
Molecular consequence: missense variant.
Genome position (GRCh38, 1-based): chr7:92,001,497, A>G. VCF-style: chr7-92001497-A-G. GRCh37 (hg19) VCF-style: chr7-91630811-A-G.
Other names: c.1580A>G, p.Gln527Arg (NM_147185.3); short protein forms Q527R.
Identifiers: ClinVar variation 1775683 (VCV001775683.9), dbSNP rs140462821, ClinGen allele CA161907191.